The following is an entry in ClinVar:

ClinVar aggregate classification (germline): Likely pathogenic (0 of 4 stars; one submission).

Conditions:
Ciliary dyskinesia, primary, 36, X-linked (CILD36). Also called: CILIARY DYSKINESIA, PRIMARY, 36, WITH OR WITHOUT SITUS INVERSUS. Identifiers: MedGen C4478372, MONDO:0010517, OMIM 300991.

Submission:

Dian Diagnostics Group Co., Ltd
Classification: Likely pathogenic for Ciliary dyskinesia, primary, 36, X-linked. Review status: no assertion criteria provided. Collection method: clinical testing. Allele origin: maternal. Inheritance: X-linked inheritance. Affected: yes. Observed: 1 hemizygote.
Comment: The c.515+3_515+6del variant was not detected in healthy controls in 1000 genomes, GnomeAD exome, and ESP databases (PM2). Notably, results from the minigene splicing experiment provided crucial insights. In vitro functional studies demonstrated a damaging effect on the gene, thus fulfilling the PS3 criterion. Taking into account the cumulative evidence of PM2 and the in vitro functional data (PS3), it is proposed that the classification of the c.515+3_515+6del variant within the DNAAF6 gene be upgraded to "likely pathogenic".

NM_173494.2(DNAAF6):c.515+3_515+6del

Gene: DNAAF6 (dynein axonemal assembly factor 6; plus strand). Cytogenetic location: Xq22.3.
Variant type: Deletion.
Coding change: c.515+3_515+6del on transcript NM_173494.2 (MANE Select); bases 3 to 6 of the intron after coding-DNA position 515, 4 bases deleted (GAGT; older notation c.515+3_515+6delGAGT).
Molecular consequence: splice donor variant.
Genome position (GRCh38, 1-based): chrX:107,239,010-107,239,013, GAGT deleted; deleting any 4 consecutive bases within chrX:107,239,007-107,239,013 gives the same sequence; the c. name uses the placement nearest the transcript's 3' end. VCF-style (leftmost placement, unchanged base first): chrX-107239006-AAGTG-A. GRCh37 (hg19) VCF-style: chrX-106482236-AAGTG-A.
Other names: c.515+3_515+6del (NM_001169154.2).
Identifiers: ClinVar variation 4075425 (VCV004075425.1).